The following is an entry in ClinVar:

NM_018368.4(LMBRD1):c.562+1G>C

Gene: LMBRD1 (LMBR1 domain containing 1; minus strand). Cytogenetic location: 6q13.
Variant type: single nucleotide variant.
Coding change: c.562+1G>C on transcript NM_018368.4 (MANE Select); the canonical splice donor site of the intron after coding-DNA position 562, G replaced by C.
Molecular consequence: splice donor variant.
Genome position (GRCh38, 1-based): chr6:69,741,788, C>G on the plus strand (G>C on the coding strand, the complement: LMBRD1 is on the minus strand). VCF-style: chr6-69741788-C-G. GRCh37 (hg19) VCF-style: chr6-70451680-C-G.
Other names: c.343+1G>C (NM_001367272.1, NM_001367271.1, NM_001363722.2).
Identifiers: ClinVar variation 2794240 (VCV002794240.3), dbSNP rs372279393, ClinGen allele CA3879864.

ClinVar aggregate classification (germline): Likely pathogenic (1 of 4 stars; one submission).

Conditions:
Methylmalonic aciduria and homocystinuria type cblF. Also called: COBALAMIN F DISEASE; COBALAMIN, DEFECT IN LYSOSOMAL RELEASE OF; METHYLMALONIC ACIDEMIA AND HOMOCYSTINURIA, cblF TYPE; METHYLMALONIC ACIDURIA DUE TO VITAMIN B12-RELEASE DEFECT; VITAMIN B12 LYSOSOMAL RELEASE DEFECT; VITAMIN B12 STORAGE DISEASE. Identifiers: Orphanet 79284, MedGen C1848578, MONDO:0010183, OMIM 277380.

Allele frequency attached by ClinVar (database versions not stated): ESP Exome Variant Server 0.00008.
gnomAD v4.1: 7 of 1,543,170 alleles (0.00045%); highest among the groups gnomAD compares: South Asian, 0.0022%; no homozygotes.

Submission:

Labcorp Genetics (formerly Invitae), Labcorp
Classification: Likely pathogenic for Methylmalonic aciduria and homocystinuria type cblF. Last evaluated: 2023-11-20. Review status: criteria provided, single submitter. Criteria: Invitae Variant Classification Sherloc (09022015). Collection method: clinical testing. Allele origin: germline.
Comment: This sequence change affects a donor splice site in intron 6 of the LMBRD1 gene. It is expected to disrupt RNA splicing. Variants that disrupt the donor or acceptor splice site typically lead to a loss of protein function (PMID: 16199547), and loss-of-function variants in LMBRD1 are known to be pathogenic (PMID: 19136951, 21303734). This variant is present in population databases (rs372279393, gnomAD 0.003%). This variant has not been reported in the literature in individuals affected with LMBRD1-related conditions. Algorithms developed to predict the effect of sequence changes on RNA splicing suggest that this variant may disrupt the consensus splice site. In summary, the currently available evidence indicates that the variant is pathogenic, but additional data are needed to prove that conclusively. Therefore, this variant has been classified as Likely Pathogenic.

Literature cited by the submitters: PubMed 16199547; PubMed 19136951; PubMed 21303734.